The following is an entry in ClinVar:

ClinVar aggregate classification (germline): Uncertain significance. Review status: criteria provided, multiple submitters, no conflicts (2 of 4 stars). 2 submissions from 2 submitters: Uncertain significance (2). Last evaluated 2026-09-01.

gnomAD v4.1: 47 of 1,613,886 alleles (0.0029%); highest among the groups gnomAD compares: Admixed American, 0.01%; no homozygotes.

Submissions (2):

CeGaT Center for Human Genetics Tuebingen
Classification: Uncertain significance. Last evaluated: 2026-09-01. Review status: criteria provided, single submitter. Criteria: CeGaT Center For Human Genetics Tuebingen Variant Classification Criteria Version 2. Collection method: clinical testing. Allele origin: germline. Affected: yes. Observed: 1 variant allele.
Comment: SLC26A8: PM2:Supporting

Ambry Genetics
Classification: Uncertain significance. Last evaluated: 2024-08-15. Review status: criteria provided, single submitter. Criteria: Ambry Variant Classification Scheme 2023. Collection method: clinical testing. Allele origin: germline.

NM_052961.4(SLC26A8):c.401C>T (p.Ser134Leu)

Gene: SLC26A8 (solute carrier family 26 member 8; minus strand). Cytogenetic location: 6p21.31.
Variant type: single nucleotide variant.
Coding change: c.401C>T on transcript NM_052961.4 (MANE Select); coding-DNA position 401, C replaced by T.
Protein change: p.Ser134Leu; replaces serine 134 with leucine.
Molecular consequence: missense variant.
Genome position (GRCh38, 1-based): chr6:36,000,036, G>A on the plus strand (C>T on the coding strand, the complement: SLC26A8 is on the minus strand). VCF-style: chr6-36000036-G-A. GRCh37 (hg19) VCF-style: chr6-35967813-G-A.
Other names: c.401C>T, p.Ser134Leu (NM_001193476.2, NM_138718.3); short protein forms S134L.
Identifiers: ClinVar variation 3443622 (VCV003443622.2).
Genomic context (GRCh38, chr6:36,000,036, plus strand): 5'-TCAGTGCTGAACTCACCAATGGACATTTGATGACACGATCCAAAAATTACATAGATTACC[G>A]AAGAACAGAAAGCTGCATAAGCGATGTTGAGAGGAGGAATCAGTTGCCTTGCCAGCAAAC-3'
Protein context (NP_443193.1, residues 124-144): LNIAYAAFCS[Ser134Leu]VIYVIFGSCH